The following is an entry in ClinVar:

NM_019616.4(F7):c.464G>A (p.Gly155Glu)

Gene: F7 (coagulation factor VII; plus strand). Cytogenetic location: 13q34.
Variant type: single nucleotide variant.
Coding change: c.464G>A on transcript NM_019616.4 (MANE Select); coding-DNA position 464, G replaced by A.
Protein change: p.Gly155Glu; replaces glycine 155 with glutamic acid.
Molecular consequence: missense variant. On other transcripts: non-coding transcript variant (1).
Genome position (GRCh38, 1-based): chr13:113,115,759, G>A. VCF-style: chr13-113115759-G-A. GRCh37 (hg19) VCF-style: chr13-113770073-G-A.
Other names: c.530G>A, p.Gly177Glu (NM_000131.5); c.278G>A, p.Gly93Glu (NM_001267554.2); short protein forms G155E, G177E, G93E.
Identifiers: ClinVar variation 3345964 (VCV003345964.1).

ClinVar aggregate classification (germline): Uncertain significance (0 of 4 stars; one submission).

Conditions:
F7-related disorder. Also called: F7-related condition.

gnomAD v4.1: 4 of 1,613,154 alleles (0.00025%); highest among the groups gnomAD compares: African/African-American, 0.0013%; no homozygotes.

Submission:

PreventionGenetics, part of Exact Sciences
Classification: Uncertain significance for F7-related condition. Last evaluated: 2024-07-18. Review status: no assertion criteria provided. Collection method: clinical testing. Allele origin: germline.
Comment: The F7 c.530G>A variant is predicted to result in the amino acid substitution p.Gly177Glu. To our knowledge, this variant has not been reported in the literature. Other missense variants affecting the same amino acid (c.529G>A, p.Gly177Arg; c.529G>C, p.Gly177Arg) have been reported in individuals with Factor VII deficiency (Gomez et al. 2004. PubMed ID: 15198740; Mota et al. 2009. PubMed ID: 19751712) suggesting that substitution of amino acid residue p.Gly177 is not tolerated. This variant is reported in 0.011% of alleles in individuals of African descent in gnomAD. Although we suspect that this variant may be pathogenic, at this time, the clinical significance of this variant is uncertain due to the absence of conclusive functional and genetic evidence.